The following is an entry in ClinVar:

NM_173354.5(SIK1):c.1795T>A (p.Phe599Ile)

Gene: SIK1 (salt inducible kinase 1; minus strand). Cytogenetic location: 21q22.3.
Variant type: single nucleotide variant.
Coding change: c.1795T>A on transcript NM_173354.5 (MANE Select); coding-DNA position 1795, T replaced by A.
Protein change: p.Phe599Ile; replaces phenylalanine 599 with isoleucine.
Molecular consequence: missense variant.
Genome position (GRCh38, 1-based): chr21:43,417,724, A>T on the plus strand (T>A on the coding strand, the complement: SIK1 is on the minus strand). VCF-style: chr21-43417724-A-T. GRCh37 (hg19) VCF-style: chr21-44837604-A-T.
Other names: short protein forms F599I.
Identifiers: ClinVar variation 2692992 (VCV002692992.3), dbSNP rs2516964716, ClinGen allele CA410607284.

ClinVar aggregate classification (germline): Uncertain significance (1 of 4 stars; one submission).

Conditions:
Developmental and epileptic encephalopathy, 30 (DEE30). Also called: Epileptic encephalopathy, early infantile, 30. Identifiers: MedGen C4225360, MONDO:0014595, OMIM 616341.

Submission:

Labcorp Genetics (formerly Invitae), Labcorp
Classification: Uncertain significance for Developmental and epileptic encephalopathy, 30. Last evaluated: 2023-06-05. Review status: criteria provided, single submitter. Criteria: Invitae Variant Classification Sherloc (09022015). Collection method: clinical testing. Allele origin: germline.
Comment: This sequence change replaces phenylalanine, which is neutral and non-polar, with isoleucine, which is neutral and non-polar, at codon 599 of the SIK1 protein (p.Phe599Ile). This variant is not present in population databases (gnomAD no frequency). This variant has not been reported in the literature in individuals affected with SIK1-related conditions. In summary, the available evidence is currently insufficient to determine the role of this variant in disease. Therefore, it has been classified as a Variant of Uncertain Significance. Advanced modeling of protein sequence and biophysical properties (such as structural, functional, and spatial information, amino acid conservation, physicochemical variation, residue mobility, and thermodynamic stability) performed at Invitae indicates that this missense variant is not expected to disrupt SIK1 protein function.